The following is an entry in ClinVar:

NM_012463.4(ATP6V0A2):c.302T>A (p.Leu101Ter)

Gene: ATP6V0A2 (ATPase H+ transporting V0 subunit a2; plus strand). Cytogenetic location: 12q24.31.
Variant type: single nucleotide variant.
Coding change: c.302T>A on transcript NM_012463.4 (MANE Select); coding-DNA position 302, T replaced by A.
Protein change: p.Leu101Ter; replaces leucine 101 with a stop codon.
Molecular consequence: nonsense.
Genome position (GRCh38, 1-based): chr12:123,724,661, T>A. VCF-style: chr12-123724661-T-A. GRCh37 (hg19) VCF-style: chr12-124209208-T-A.
Other names: short protein forms L101*.
Identifiers: ClinVar variation 2000140 (VCV002000140.4), dbSNP rs2135887401, ClinGen allele CA387151584.

ClinVar aggregate classification (germline): Pathogenic (1 of 4 stars; one submission).

Conditions:
ALG9 congenital disorder of glycosylation (CDG1L). Also called: CONGENITAL DISORDER OF GLYCOSYLATION, TYPE Il; ALG9-CDG; CDG Il. Identifiers: Orphanet 79328, MedGen C2931006, MONDO:0012117, OMIM 608776.

Submission:

Labcorp Genetics (formerly Invitae), Labcorp
Classification: Pathogenic for ALG9 congenital disorder of glycosylation. Last evaluated: 2022-05-28. Review status: criteria provided, single submitter. Criteria: Invitae Variant Classification Sherloc (09022015). Collection method: clinical testing. Allele origin: germline.
Comment: For these reasons, this variant has been classified as Pathogenic. This variant has not been reported in the literature in individuals affected with ATP6V0A2-related conditions. This variant is not present in population databases (gnomAD no frequency). This sequence change creates a premature translational stop signal (p.Leu101*) in the ATP6V0A2 gene. It is expected to result in an absent or disrupted protein product. Loss-of-function variants in ATP6V0A2 are known to be pathogenic (PMID: 18157129, 19321599).

Literature cited by the submitters: PubMed 18157129; PubMed 19321599.